The following is an entry in ClinVar:

NM_153676.4(USH1C):c.1070G>A (p.Arg357Gln)

Gene: USH1C (USH1 protein network component harmonin; minus strand). Cytogenetic location: 11p15.1.
Variant type: single nucleotide variant.
Coding change: c.1070G>A on transcript NM_153676.4 (MANE Select); coding-DNA position 1070, G replaced by A.
Protein change: p.Arg357Gln; replaces arginine 357 with glutamine.
Molecular consequence: missense variant. On other transcripts: non-coding transcript variant (1).
Genome position (GRCh38, 1-based): chr11:17,521,361, C>T on the plus strand (G>A on the coding strand, the complement: USH1C is on the minus strand). VCF-style: chr11-17521361-C-T. GRCh37 (hg19) VCF-style: chr11-17542908-C-T.
Other names: c.1013G>A, p.Arg338Gln (NM_001297764.2); c.1070G>A, p.Arg357Gln (NM_005709.4); short protein forms R338Q, R357Q.
Identifiers: ClinVar variation 842318 (VCV000842318.7), dbSNP rs895318911, ClinGen allele CA218454379.

ClinVar aggregate classification (germline): Uncertain significance. Review status: criteria provided, multiple submitters, no conflicts (2 of 4 stars). 6 submissions from 6 submitters: Uncertain significance (5). 1 of the submissions does not count toward it. Last evaluated 2025-09-25.

Conditions:
Usher syndrome type 1C. Also called: USHER SYNDROME, TYPE I, ACADIAN VARIETY. Identifiers: Orphanet 231169, Orphanet 886, MedGen C1848604, MONDO:0010171, OMIM 276904.
Inborn genetic diseases. Identifiers: MedGen C0950123, MeSH D030342.

Allele frequency attached by ClinVar (database versions not stated): gnomAD exomes 0.00002 and 0.00005; gnomAD 0.00006 and 0.00008; TOPMed 0.00008.
gnomAD v4.1: 94 of 1,614,042 alleles (0.0058%); highest among the groups gnomAD compares: Non-Finnish European, 0.0066%; no homozygotes.

Submissions (6):

Ambry Genetics
Classification: Uncertain significance for Inborn genetic diseases. Last evaluated: 2025-09-25. Review status: criteria provided, single submitter. Criteria: Ambry Variant Classification Scheme 2023. Collection method: clinical testing. Allele origin: germline.

Blueprint Genetics
Classification: Uncertain significance. Last evaluated: 2024-01-09. Review status: criteria provided, single submitter. Criteria: ACMG Guidelines, 2015. Collection method: clinical testing. Allele origin: germline.

GeneDx
Classification: Uncertain significance. Last evaluated: 2022-08-11. Review status: criteria provided, single submitter. Criteria: GeneDx Variant Classification Process June 2021. Collection method: clinical testing. Allele origin: germline. Affected: yes.
Comment: Not observed at significant frequency in large population cohorts (gnomAD); In silico analysis supports that this missense variant does not alter protein structure/function; Has not been previously published as pathogenic or benign to our knowledge

Labcorp Genetics (formerly Invitae), Labcorp
Classification: Uncertain significance. Last evaluated: 2021-08-20. Review status: criteria provided, single submitter. Criteria: Invitae Variant Classification Sherloc (09022015). Collection method: clinical testing. Allele origin: germline.
Comment: This sequence change replaces arginine with glutamine at codon 357 of the USH1C protein (p.Arg357Gln). The arginine residue is highly conserved and there is a small physicochemical difference between arginine and glutamine. This variant is not present in population databases (ExAC no frequency). This variant has not been reported in the literature in individuals affected with USH1C-related conditions. Algorithms developed to predict the effect of missense changes on protein structure and function (SIFT, PolyPhen-2, Align-GVGD) all suggest that this variant is likely to be tolerated. In summary, the available evidence is currently insufficient to determine the role of this variant in disease. Therefore, it has been classified as a Variant of Uncertain Significance.

Breakthrough Genomics
Classification: Uncertain significance. Review status: criteria provided, single submitter. Criteria: ACMG Guidelines, 2015. Collection method: not provided. Allele origin: germline. Inheritance: Autosomal recessive inheritance. Affected: yes.

Natera, Inc.
Classification: Uncertain significance for Usher syndrome type 1C. Last evaluated: 2020-08-27. Review status: no assertion criteria provided. Collection method: clinical testing. Allele origin: germline. Not counted in ClinVar's aggregate classification.